The following is an entry in ClinVar:

NC_000016.9:g.(?_8926102)_(8941682_?)dup

Gene: PMM2 (phosphomannomutase 2; plus strand). Cytogenetic location: 16p13.2.
Variant type: Duplication.
Identifiers: ClinVar variation 2422845 (VCV002422845.3).

ClinVar aggregate classification (germline): Uncertain significance (1 of 4 stars; one submission).

Conditions:
PMM2-congenital disorder of glycosylation. Also called: PMM2-CDG; CDG Ia; JAEKEN SYNDROME; PHOSPHOMANNOMUTASE 2 DEFICIENCY; CARBOHYDRATE-DEFICIENT GLYCOPROTEIN SYNDROME, TYPE Ia; Congenital disorder of glycosylation, type Ia. Identifiers: Orphanet 79318, MedGen C0349653, MONDO:0008907, OMIM 212065.

Submission:

Labcorp Genetics (formerly Invitae), Labcorp
Classification: Uncertain significance for PMM2-congenital disorder of glycosylation. Last evaluated: 2022-02-20. Review status: criteria provided, single submitter. Criteria: Invitae Variant Classification Sherloc (09022015). Collection method: clinical testing. Allele origin: germline.
Comment: This variant results in a copy number gain of the genomic region encompassing exon(s) 8 of the PMM2 gene. This region includes the termination codon of the gene. This copy number gain extends beyond the assayed region for this gene and therefore may encompass additional genes. As the precise location of this event is unknown, it may be in tandem or it may be located elsewhere in the genome. This variant has not been reported in the literature in individuals affected with PMM2-related conditions. In summary, the available evidence is currently insufficient to determine the role of this variant in disease. Therefore, it has been classified as a Variant of Uncertain Significance.